The following is an entry in ClinVar:

ClinVar aggregate classification (germline): Pathogenic (1 of 4 stars; one submission).

Conditions:
Duchenne muscular dystrophy (DMD). Also called: Duchenne Muscular Dystrophy (DMD); MUSCULAR DYSTROPHY, PSEUDOHYPERTROPHIC PROGRESSIVE, DUCHENNE TYPE. Identifiers: Orphanet 98896, MedGen C0013264, MONDO:0010679, OMIM 310200.

Submission:

Labcorp Genetics (formerly Invitae), Labcorp
Classification: Pathogenic for Duchenne muscular dystrophy. Last evaluated: 2023-04-17. Review status: criteria provided, single submitter. Criteria: Invitae Variant Classification Sherloc (09022015). Collection method: clinical testing. Allele origin: germline.
Comment: For these reasons, this variant has been classified as Pathogenic. A similar copy number variant has been observed in individuals with DMD-related muscular dystrophy (PMID: 11409318, 31705731). This variant is a gross deletion of the genomic region encompassing exon(s) 44-50 of the DMD gene. This deletion is out-of-frame, and is expected to create a premature termination codon and result in an absent or disrupted protein product. Loss-of-function variants in DMD are known to be pathogenic (PMID: 16770791, 25007885).

Literature cited by the submitters: PubMed 11409318; PubMed 31705731; PubMed 16770791; PubMed 25007885.

NC_000023.10:g.(?_31838072)_(32235200_?)del

Gene: DMD (dystrophin; minus strand). Cytogenetic location: Xp21.1.
Variant type: Deletion.
Identifiers: ClinVar variation 1460440 (VCV001460440.7).